The following is an entry in ClinVar:

ClinVar aggregate classification (germline): Benign. Review status: criteria provided, multiple submitters, no conflicts (2 of 4 stars). 3 submissions from 3 submitters: Benign (3). Last evaluated 2026-02-02.

Conditions:
ALG9 congenital disorder of glycosylation (CDG1L). Also called: ALG9-CDG; CONGENITAL DISORDER OF GLYCOSYLATION, TYPE Il; CDG Il. Identifiers: Orphanet 79328, MedGen C2931006, MONDO:0012117, OMIM 608776.
Cutis laxa with osteodystrophy (ARCL2A). Also called: CUTIS LAXA, AUTOSOMAL RECESSIVE, TYPE IIA; Debré-Type Cutis Laxa; CUTIS LAXA WITH CONGENITAL DISORDER OF GLYCOSYLATION; CUTIS LAXA WITH BONE DYSTROPHY; CUTIS LAXA WITH GROWTH AND DEVELOPMENTAL DELAY; CUTIS LAXA WITH JOINT LAXITY AND RETARDED DEVELOPMENT. Identifiers: Orphanet 357058, MedGen C0268355, MONDO:0018163, OMIM 219200. Disease mechanism: loss of function.

Allele frequency attached by ClinVar (database versions not stated): gnomAD exomes 0.00057 and 0.00138; ExAC 0.00188; gnomAD 0.00602 and 0.00652; ESP Exome Variant Server 0.00609; 1000 Genomes Project 0.00659; TOPMed 0.00675; 1000 Genomes Project 30x 0.00703.
gnomAD v4.1: 1,750 of 1,598,968 alleles (0.11%); highest among the groups gnomAD compares: African/African-American, 2.1%; 16 homozygotes.

Submissions (3):

Labcorp Genetics (formerly Invitae), Labcorp
Classification: Benign for ALG9 congenital disorder of glycosylation. Last evaluated: 2026-02-02. Review status: criteria provided, single submitter. Criteria: Invitae Variant Classification Sherloc (09022015). Collection method: clinical testing. Allele origin: germline.

GeneDx
Classification: Benign. Last evaluated: 2018-04-25. Review status: criteria provided, single submitter. Criteria: GeneDx Variant Classification Process June 2021. Collection method: clinical testing. Allele origin: germline. Affected: yes.

Illumina Laboratory Services, Illumina
Classification: Benign for Cutis laxa with osteodystrophy. Last evaluated: 2018-01-13. Review status: criteria provided, single submitter. Criteria: ICSL Variant Classification Criteria 13 December 2019. Collection method: clinical testing. Allele origin: germline.
Comment: This variant was observed in the ICSL laboratory as part of a predisposition screen in an ostensibly healthy population. It had not been previously curated by ICSL or reported in the Human Gene Mutation Database (HGMD: prior to June 1st, 2018), and was therefore a candidate for classification through an automated scoring system. Utilizing variant allele frequency, disease prevalence and penetrance estimates, and inheritance mode, an automated score was calculated to assess if this variant is too frequent to cause the disease. Based on the score and internal cut-off values, a variant classified as benign is not then subjected to further curation. The score for this variant resulted in a classification of benign for this disease.

NM_012463.4(ATP6V0A2):c.117+14G>A

Genes: ATP6V0A2 (ATPase H+ transporting V0 subunit a2; plus strand), LOC130009117 (ATAC-STARR-seq lymphoblastoid silent region 5049; plus strand). Cytogenetic location: 12q24.31.
Variant type: single nucleotide variant.
Coding change: c.117+14G>A on transcript NM_012463.4 (MANE Select); 14 bases into the intron after coding-DNA position 117, G replaced by A.
Molecular consequence: intron variant.
Genome position (GRCh38, 1-based): chr12:123,712,696, G>A. VCF-style: chr12-123712696-G-A. GRCh37 (hg19) VCF-style: chr12-124197243-G-A.
Identifiers: ClinVar variation 385242 (VCV000385242.15), dbSNP rs144930749, ClinGen allele CA6861478.
Genomic context (GRCh38, chr12:123,712,696, plus strand): 5'-AGTGCCTCAGCGCCCTGGGCGAGAAAGGCCTGGTCCAGTTCCGAGACGTGAGTGTCGCCC[G>A]GGAGACGCGGGCCGCACCTGCTCTCCTGGCGCCCCCAATCCCGCGCATCGCTGGGGCCCT-3'